The following is an entry in ClinVar:

NM_005359.6(SMAD4):c.709C>G (p.Leu237Val)

Gene: SMAD4 (SMAD family member 4; plus strand). Cytogenetic location: 18q21.2.
Variant type: single nucleotide variant.
Coding change: c.709C>G on transcript NM_005359.6 (MANE Select); coding-DNA position 709, C replaced by G.
Protein change: p.Leu237Val; replaces leucine 237 with valine.
Molecular consequence: missense variant.
Genome position (GRCh38, 1-based): chr18:51,058,166, C>G. VCF-style: chr18-51058166-C-G. GRCh37 (hg19) VCF-style: chr18-48584536-C-G.
Other names: c.709C>G, p.Leu237Val (NM_001407041.1, NM_001407042.1, NM_001407043.1); short protein forms L237V.
Identifiers: ClinVar variation 1757134 (VCV001757134.2), dbSNP rs2144426975, ClinGen allele CA402462758.

ClinVar aggregate classification (germline): Uncertain significance (1 of 4 stars; one submission).

Conditions:
Familial thoracic aortic aneurysm and aortic dissection (TAAD). Also called: Thoracic aortic aneurysms and dissections. Identifiers: Orphanet 91387, MedGen C4707243, MONDO:0019625.
Hereditary cancer-predisposing syndrome. Also called: Neoplastic Syndromes, Hereditary; Tumor predisposition; Hereditary Cancer Syndrome; Hereditary neoplastic syndrome. Identifiers: Orphanet 140162, MedGen C0027672, MeSH D009386, MONDO:0015356.

Submission:

Ambry Genetics
Classification: Uncertain significance for Hereditary cancer-predisposing syndrome; Familial thoracic aortic aneurysm and aortic dissection. Last evaluated: 2017-04-20. Review status: criteria provided, single submitter. Criteria: Ambry Variant Classification Scheme 2023. Collection method: clinical testing. Allele origin: germline.
Comment: The p.L237V variant (also known as c.709C>G), located in coding exon 5 of the SMAD4 gene, results from a C to G substitution at nucleotide position 709. The leucine at codon 237 is replaced by valine, an amino acid with highly similar properties. This amino acid position is highly conserved in available vertebrate species. In addition, this alteration is predicted to be tolerated by in silico analysis. Since supporting evidence is limited at this time, the clinical significance of this alteration remains unclear.